The following is an entry in ClinVar:

ClinVar aggregate classification (germline): Uncertain significance (1 of 4 stars; one submission).

Conditions:
Hereditary cancer-predisposing syndrome. Also called: Tumor predisposition; Neoplastic Syndromes, Hereditary; Hereditary Cancer Syndrome; Hereditary neoplastic syndrome. Identifiers: Orphanet 140162, MedGen C0027672, MeSH D009386, MONDO:0015356.

Submission:

Color Diagnostics, LLC DBA Color Health
Classification: Uncertain significance for Hereditary cancer-predisposing syndrome. Last evaluated: 2023-07-17. Review status: criteria provided, single submitter. Criteria: ACMG Guidelines, 2015. Collection method: clinical testing. Allele origin: germline.
Comment: This missense variant replaces arginine with serine at codon 2339 of the ATM protein. Computational prediction is inconclusive regarding the impact of this variant on protein structure and function (internally defined REVEL score threshold 0.5 < inconclusive < 0.7, PMID: 27666373). To our knowledge, functional studies have not been reported for this variant. This variant has not been reported in individuals affected with ATM-related disorders in the literature. This variant has not been identified in the general population by the Genome Aggregation Database (gnomAD). The available evidence is insufficient to determine the role of this variant in disease conclusively. Therefore, this variant is classified as a Variant of Uncertain Significance.

NM_000051.4(ATM):c.7017G>C (p.Arg2339Ser)

Genes: ATM (ATM serine/threonine kinase; plus strand), C11orf65 (chromosome 11 open reading frame 65; minus strand). Cytogenetic location: 11q22.3.
Variant type: single nucleotide variant.
Coding change: c.7017G>C on transcript NM_000051.4 (MANE Select); coding-DNA position 7017, G replaced by C.
Protein change: p.Arg2339Ser; replaces arginine 2339 with serine.
Molecular consequence: missense variant. On other transcripts: intron variant (2).
Genome position (GRCh38, 1-based): chr11:108,327,686, G>C. VCF-style: chr11-108327686-G-C. GRCh37 (hg19) VCF-style: chr11-108198413-G-C.
Other names: c.7017G>C, p.Arg2339Ser (NM_001351834.2); c.641-18615C>G (NM_001330368.2); c.*38+7534C>G (NM_001351110.2); short protein forms R2339S.
Identifiers: ClinVar variation 2774705 (VCV002774705.1), dbSNP rs1591142466, ClinGen allele CA382558747.
Genomic context (GRCh38, chr11:108,327,686, plus strand): 5'-TTTTGCCTTTCTTATACAGAACAATCCCAGCCTAAAACTTACATACACAGAATGTCTGAG[G>C]GTTTGTGGCAACTGGTTAGCAGAAACGTGCTTAGAAAATCCTGCGGTCATCATGCAGACC-3'
Protein context (NP_000042.3, residues 2329-2349): SLKLTYTECL[Arg2339Ser]VCGNWLAETC